The following is an entry in ClinVar:

ClinVar aggregate classification (germline): Likely pathogenic (1 of 4 stars; one submission).

Conditions:
Dilated cardiomyopathy 1G (CMD1G). Identifiers: Orphanet 154, MedGen C1858763, MONDO:0011400, OMIM 604145.
Autosomal recessive limb-girdle muscular dystrophy type 2J (LGMDR10). Also called: Limb-girdle muscular dystrophy, type 2J; MUSCULAR DYSTROPHY, LIMB-GIRDLE, AUTOSOMAL RECESSIVE 10. Identifiers: Orphanet 140922, MedGen C1837342, MONDO:0012127, OMIM 608807.

Submission:

Labcorp Genetics (formerly Invitae), Labcorp
Classification: Likely pathogenic for Dilated cardiomyopathy 1G; Autosomal recessive limb-girdle muscular dystrophy type 2J. Last evaluated: 2023-08-16. Review status: criteria provided, single submitter. Criteria: Invitae Variant Classification Sherloc (09022015). Collection method: clinical testing. Allele origin: germline.
Comment: In summary, the currently available evidence indicates that the variant is pathogenic, but additional data are needed to prove that conclusively. Therefore, this variant has been classified as Likely Pathogenic. This variant is located in the A band of TTN (PMID: 25589632). Truncating variants in this region are significantly overrepresented in patients affected with dilated cardiomyopathy (PMID: 25589632). Truncating variants in this region have also been reported in individuals affected with autosomal recessive centronuclear myopathy (PMID: 23975875). ClinVar contains an entry for this variant (Variation ID: 964791). This variant has not been reported in the literature in individuals affected with TTN-related conditions. This variant is not present in population databases (gnomAD no frequency). This sequence change creates a premature translational stop signal (p.Trp25719*) in the TTN gene. While this is not anticipated to result in nonsense mediated decay, it is expected to create a truncated TTN protein.

Literature cited by the submitters: PubMed 25589632; PubMed 23975875.

NM_001267550.2(TTN):c.77157G>A (p.Trp25719Ter)

Genes: TTN-AS1 (TTN antisense RNA 1; plus strand), TTN (titin; minus strand). Cytogenetic location: 2q31.2.
Variant type: single nucleotide variant.
Coding change: c.77157G>A on transcript NM_001267550.2 (MANE Select); coding-DNA position 77157, G replaced by A.
Protein change: p.Trp25719Ter; replaces tryptophan 25719 with a stop codon.
Molecular consequence: nonsense.
Genome position (GRCh38, 1-based): chr2:178,568,975, C>T on the plus strand (G>A on the coding strand, the complement: TTN is on the minus strand). VCF-style: chr2-178568975-C-T. GRCh37 (hg19) VCF-style: chr2-179433702-C-T.
Other names: c.72234G>A, p.Trp24078Ter (NM_001256850.1); c.49962G>A, p.Trp16654Ter (NM_003319.4); c.69453G>A, p.Trp23151Ter (NM_133378.4); c.50337G>A, p.Trp16779Ter (NM_133432.3); c.50538G>A, p.Trp16846Ter (NM_133437.4); short protein forms W16654*, W25719*, W16846*, W16779*, W23151*, W24078*.
Identifiers: ClinVar variation 964791 (VCV000964791.8), dbSNP rs1707088255, ClinGen allele CA349612201.